The following is an entry in ClinVar:

NM_000465.4(BARD1):c.735A>G (p.Gln245=)

Gene: BARD1 (BRCA1 associated RING domain 1; minus strand). Cytogenetic location: 2q35.
Variant type: single nucleotide variant.
Coding change: c.735A>G on transcript NM_000465.4 (MANE Select); coding-DNA position 735, A replaced by G.
Protein change: p.Gln245=; no amino-acid change (glutamine 245 retained).
Molecular consequence: synonymous variant. On other transcripts: non-coding transcript variant (2), intron variant (3).
Genome position (GRCh38, 1-based): chr2:214,781,139, T>C on the plus strand (A>G on the coding strand, the complement: BARD1 is on the minus strand). VCF-style: chr2-214781139-T-C. GRCh37 (hg19) VCF-style: chr2-215645863-T-C.
Other names: c.678A>G, p.Gln226= (NM_001282543.2); c.158+28273A>G (NM_001282548.2); c.215+15922A>G (NM_001282545.2); c.364+11158A>G (NM_001282549.2).
Identifiers: ClinVar variation 183870 (VCV000183870.36), dbSNP rs763378916, ClinGen allele CA186822.

ClinVar aggregate classification (germline): Conflicting classifications of pathogenicity. Review status: criteria provided, conflicting classifications (1 of 4 stars). 11 submissions from 11 submitters: Uncertain significance (1); Benign (2); Likely benign (8). Last evaluated 2026-01-26.

Conditions:
Hereditary cancer-predisposing syndrome. Also called: Tumor predisposition; Neoplastic Syndromes, Hereditary; Hereditary Cancer Syndrome; Hereditary neoplastic syndrome. Identifiers: Orphanet 140162, MedGen C0027672, MeSH D009386, MONDO:0015356.
Hereditary breast ovarian cancer syndrome. Also called: Hereditary breast and ovarian cancer; Hereditary breast and ovarian cancer syndrome (HBOC); Breast and ovarian cancer; Hereditary breast and/or ovarian cancer syndrome; BRCA1- and BRCA2-Associated Hereditary Breast and Ovarian Cancer; Hereditary breast and ovarian cancer syndrome. Identifiers: Orphanet 145, MedGen C0677776, MeSH D061325, MONDO:0003582. Disease mechanism: loss of function.
Familial cancer of breast. Also called: hereditary breast carcinoma; BREAST CANCER, FAMILIAL; Hereditary breast cancer. Identifiers: Orphanet 227535, MedGen C0346153, MONDO:0016419, OMIM 114480. Disease mechanism: loss of function.

Allele frequency attached by ClinVar (database versions not stated): gnomAD 0.00001; gnomAD exomes 0.00001 and 0.00002; TOPMed 0.00001; ExAC 0.00003.
gnomAD v4.1: 14 of 1,574,408 alleles (0.00089%); highest among the groups gnomAD compares: South Asian, 0.0012%; no homozygotes.

Submissions (11):

Labcorp Genetics (formerly Invitae), Labcorp
Classification: Likely benign for Familial cancer of breast. Last evaluated: 2026-01-26. Review status: criteria provided, single submitter. Criteria: Invitae Variant Classification Sherloc (09022015). Collection method: clinical testing. Allele origin: germline.

CeGaT Center for Human Genetics Tuebingen
Classification: Likely benign. Last evaluated: 2025-07-01. Review status: criteria provided, single submitter. Criteria: CeGaT Center For Human Genetics Tuebingen Variant Classification Criteria Version 2. Collection method: clinical testing. Allele origin: germline. Affected: yes. Observed: 1 variant allele.
Comment: BARD1: BP4, BP7

KCCC/NGS Laboratory, Kuwait Cancer Control Center
Classification: Benign for Familial cancer of breast. Last evaluated: 2025-02-01. Review status: criteria provided, single submitter. Criteria: ACMG Guidelines, 2015. Collection method: clinical testing. Allele origin: germline. Affected: no.

Women's Health and Genetics/Laboratory Corporation of America, LabCorp
Classification: Likely benign. Last evaluated: 2024-09-16. Review status: criteria provided, single submitter. Criteria: LabCorp Variant Classification Summary - May 2015. Collection method: clinical testing. Allele origin: germline.

Blueprint Genetics
Classification: Likely benign. Last evaluated: 2024-08-28. Review status: criteria provided, single submitter. Criteria: ACMG Guidelines, 2015. Collection method: clinical testing. Allele origin: germline.

Myriad Genetics, Inc.
Classification: Benign for Familial cancer of breast. Last evaluated: 2024-07-22. Review status: criteria provided, single submitter. Criteria: Myriad Autosomal Dominant, Autosomal Recessive and X-Linked Classification Criteria (2023). Collection method: clinical testing. Allele origin: unknown.
Comment: This variant is considered benign. This variant is a silent/synonymous amino acid change and it is not expected to impact splicing.

Department of Pathology and Laboratory Medicine, Sinai Health System
Classification: Likely benign for Hereditary breast ovarian cancer syndrome. Last evaluated: 2021-07-12. Review status: criteria provided, single submitter. Criteria: ACMG Guidelines, 2015. Collection method: clinical testing. Allele origin: germline. Affected: yes.

Color Diagnostics, LLC DBA Color Health
Classification: Likely benign for Hereditary cancer-predisposing syndrome. Last evaluated: 2019-07-23. Review status: criteria provided, single submitter. Criteria: ACMG Guidelines, 2015. Collection method: clinical testing. Allele origin: germline.

GeneDx
Classification: Likely benign. Last evaluated: 2018-02-15. Review status: criteria provided, single submitter. Criteria: GeneDx Variant Classification (06012015). Collection method: clinical testing. Allele origin: germline. Affected: yes.
Comment: This variant is considered likely benign or benign based on one or more of the following criteria: it is a conservative change, it occurs at a poorly conserved position in the protein, it is predicted to be benign by multiple in silico algorithms, and/or has population frequency not consistent with disease.

Illumina Laboratory Services, Illumina
Classification: Uncertain significance for Familial cancer of breast. Last evaluated: 2018-01-13. Review status: criteria provided, single submitter. Criteria: ICSL Variant Classification Criteria 13 December 2019. Collection method: clinical testing. Allele origin: germline.

Ambry Genetics
Classification: Likely benign for Hereditary cancer-predisposing syndrome. Last evaluated: 2015-04-08. Review status: criteria provided, single submitter. Criteria: Ambry Variant Classification Scheme 2023. Collection method: clinical testing. Allele origin: germline.